The following is an entry in ClinVar:

NM_007294.4(BRCA1):c.415_416del (p.Gln139fs)

Gene: BRCA1 (BRCA1 DNA repair associated; minus strand). Cytogenetic location: 17q21.31.
Variant type: Deletion.
Coding change: c.415_416del on transcript NM_007294.4 (MANE Select); coding-DNA positions 415 to 416, 2 bases deleted (CA; older notation c.415_416delCA).
Protein change: p.Gln139fs; shifts the reading frame from glutamine 139.
Molecular consequence: frameshift variant. On other transcripts: intron variant (2).
Genome position (GRCh38, 1-based): chr17:43,104,147-43,104,148, TG deleted on the plus strand (CA on the coding strand, the reverse complement: BRCA1 is on the minus strand); deleting any 2 consecutive bases within chr17:43,104,147-43,104,149 gives the same sequence; the c. name uses the placement nearest the transcript's 3' end. VCF-style (leftmost placement, unchanged base first): chr17-43104146-CTG-C. GRCh37 (hg19) VCF-style: chr17-41256163-CTG-C.
Other names: c.415_416del, p.Gln139fs (NM_001407863.1, NM_001407937.1, NM_001407938.1 and 164 more transcripts); c.337_338del, p.Gln113fs (NM_001407874.1, NM_001407875.1, NM_001408409.1 and 21 more transcripts); c.205_206del, p.Gln69fs (NM_001407879.1, NM_001407881.1, NM_001407884.1 and 58 more transcripts); c.274_275del, p.Gln92fs (NM_001407925.1, NM_001407926.1, NM_001407927.1 and 99 more transcripts); c.34_35del, p.Gln12fs (NM_001407959.1, NM_001407960.1, NM_001407962.1 and 4 more transcripts); c.406_407del, p.Gln136fs (NM_001408408.1, NM_001407646.1, NM_001407647.1); c.283_284del, p.Gln95fs (NM_001408451.1); c.414_415delAC, p.Gln139Glufs (NM_007304.2); and 2 more; short protein forms Q136fs, Q12fs, Q69fs, Q92fs, Q95fs, Q113fs, Q139fs.
Identifiers: ClinVar variation 2450676 (VCV002450676.4), dbSNP rs2552250848, ClinGen allele CA2580093800.

ClinVar aggregate classification (germline): Pathogenic. Review status: criteria provided, multiple submitters, no conflicts (2 of 4 stars). 2 submissions from 2 submitters: Pathogenic (2). Last evaluated 2023-03-07.

Conditions:
Hereditary cancer-predisposing syndrome. Also called: Neoplastic Syndromes, Hereditary; Tumor predisposition; Hereditary neoplastic syndrome; Hereditary Cancer Syndrome. Identifiers: Orphanet 140162, MedGen C0027672, MeSH D009386, MONDO:0015356.

Submissions (2):

Color Diagnostics, LLC DBA Color Health
Classification: Pathogenic for Hereditary cancer-predisposing syndrome. Last evaluated: 2023-03-07. Review status: criteria provided, single submitter. Criteria: ACMG Guidelines, 2015. Collection method: clinical testing. Allele origin: germline.
Comment: This variant deletes 2 nucleotides in exon 6 of the BRCA1 gene, creating a frameshift and premature translation stop signal. This variant is expected to result in an absent or non-functional protein product. To our knowledge, this variant has not been reported in individuals affected with BRCA1-related disorders in the literature. This variant has not been identified in the general population by the Genome Aggregation Database (gnomAD). Loss of BRCA1 function is a known mechanism of disease. Based on the available evidence, this variant is classified as Pathogenic.

Ambry Genetics
Classification: Pathogenic for Hereditary cancer-predisposing syndrome. Last evaluated: 2023-01-17. Review status: criteria provided, single submitter. Criteria: Ambry Variant Classification Scheme 2023. Collection method: clinical testing. Allele origin: germline.
Comment: The c.415_416delCA pathogenic mutation, located in coding exon 5 of the BRCA1 gene, results from a deletion of two nucleotides at nucleotide positions 415 to 416, causing a translational frameshift with a predicted alternate stop codon (p.Q139Efs*2). This variant is considered to be rare based on population cohorts in the Genome Aggregation Database (gnomAD). This alteration is expected to result in loss of function by premature protein truncation or nonsense-mediated mRNA decay. As such, this alteration is interpreted as a disease-causing mutation.